The following is an entry in ClinVar:

ClinVar aggregate classification (germline): Uncertain significance. Review status: criteria provided, multiple submitters, no conflicts (2 of 4 stars). 2 submissions from 2 submitters: Uncertain significance (2). Last evaluated 2025-12-01.

Conditions:
Familial thoracic aortic aneurysm and aortic dissection (TAAD). Also called: Thoracic aortic aneurysms and dissections. Identifiers: Orphanet 91387, MedGen C4707243, MONDO:0019625.
Aortic aneurysm, familial thoracic 4 (AAT4). Also called: AORTIC ANEURYSM/AORTIC DISSECTION AND PATENT DUCTUS ARTERIOSUS. Identifiers: MedGen C1851504, MONDO:0007568, OMIM 132900.

gnomAD v4.1: 3 of 1,614,094 alleles (0.00019%); highest among the groups gnomAD compares: Non-Finnish European, 0.00025%; no homozygotes.

Submissions (2):

Ambry Genetics
Classification: Uncertain significance for Familial thoracic aortic aneurysm and aortic dissection. Last evaluated: 2025-12-01. Review status: criteria provided, single submitter. Criteria: Ambry Variant Classification Scheme 2023. Collection method: clinical testing. Allele origin: germline.
Comment: The p.D1143E variant (also known as c.3429C>A), located in coding exon 25 of the MYH11 gene, results from a C to A substitution at nucleotide position 3429. The aspartic acid at codon 1143 is replaced by glutamic acid, an amino acid with highly similar properties. This amino acid position is conserved. In addition, this alteration is predicted to be tolerated by in silico analysis. Based on the available evidence, the clinical significance of this variant remains unclear.

ARUP Laboratories, Molecular Genetics and Genomics, ARUP Laboratories
Classification: Uncertain significance for Aortic aneurysm, familial thoracic 4. Last evaluated: 2020-02-25. Review status: criteria provided, single submitter. Criteria: ARUP Molecular Germline Variant Investigation Process. Collection method: clinical testing. Allele origin: germline.
Comment: The MYH11 c.3429C>A; p.Asp1143Glu variant (rs1466172600), to our knowledge, is not reported in the medical literature or gene specific databases. This variant is only observed on one allele in the Genome Aggregation Database, indicating it is not a common polymorphism. The aspartic acid at codon 1143 is highly conserved, but computational analyses (SIFT, PolyPhen-2) predict that this variant is tolerated. Due to limited information, the clinical significance of the p.Asp1143Glu variant is uncertain at this time.

NM_002474.3(MYH11):c.3429C>A (p.Asp1143Glu)

Gene: MYH11 (myosin heavy chain 11; minus strand). Cytogenetic location: 16p13.11.
Variant type: single nucleotide variant.
Coding change: c.3429C>A on transcript NM_002474.3 (MANE Select); coding-DNA position 3429, C replaced by A.
Protein change: p.Asp1143Glu; replaces aspartic acid 1143 with glutamic acid.
Molecular consequence: missense variant.
Genome position (GRCh38, 1-based): chr16:15,735,443, G>T on the plus strand (C>A on the coding strand, the complement: MYH11 is on the minus strand). VCF-style: chr16-15735443-G-T. GRCh37 (hg19) VCF-style: chr16-15829300-G-T.
Other names: c.3450C>A, p.Asp1150Glu (NM_001040113.2, NM_001040114.2); c.3429C>A, p.Asp1143Glu (NM_022844.3); c.3429C>A (NM_002474.2); short protein forms D1143E, D1150E.
Identifiers: ClinVar variation 993647 (VCV000993647.9), dbSNP rs1466172600, ClinGen allele CA394861890.